The following is an entry in ClinVar:

ClinVar aggregate classification (germline): Uncertain significance (1 of 4 stars; one submission).

Conditions:
Familial adenomatous polyposis 2. Also called: COLORECTAL ADENOMATOUS POLYPOSIS, AUTOSOMAL RECESSIVE; ADENOMAS, MULTIPLE COLORECTAL, AUTOSOMAL RECESSIVE; MYH-associated polyposis; Adenomas, multiple colorectal; FAP type 2; MUTYH-associated polyposis. Identifiers: Orphanet 220460, Orphanet 247798, MedGen C3272841, MONDO:0012041, OMIM 608456.

Submission:

Labcorp Genetics (formerly Invitae), Labcorp
Classification: Uncertain significance for Familial adenomatous polyposis 2. Last evaluated: 2024-10-16. Review status: criteria provided, single submitter. Criteria: Invitae Variant Classification Sherloc (09022015). Collection method: clinical testing. Allele origin: germline.
Comment: This sequence change replaces alanine, which is neutral and non-polar, with threonine, which is neutral and polar, at codon 251 of the MUTYH protein (p.Ala251Thr). This variant is not present in population databases (gnomAD no frequency). This variant has not been reported in the literature in individuals affected with MUTYH-related conditions. An algorithm developed to predict the effect of missense changes on protein structure and function (PolyPhen-2) suggests that this variant is likely to be disruptive. In summary, the available evidence is currently insufficient to determine the role of this variant in disease. Therefore, it has been classified as a Variant of Uncertain Significance.

NM_001048174.2(MUTYH):c.667G>A (p.Ala223Thr)

Gene: MUTYH (mutY DNA glycosylase; minus strand). Cytogenetic location: 1p34.1.
Variant type: single nucleotide variant.
Coding change: c.667G>A on transcript NM_001048174.2 (MANE Select); coding-DNA position 667, G replaced by A.
Protein change: p.Ala223Thr; replaces alanine 223 with threonine.
Molecular consequence: missense variant. On other transcripts: non-coding transcript variant (7).
Genome position (GRCh38, 1-based): chr1:45,332,428, C>T on the plus strand (G>A on the coding strand, the complement: MUTYH is on the minus strand). VCF-style: chr1-45332428-C-T. GRCh37 (hg19) VCF-style: chr1-45798100-C-T.
Other names: c.667G>A, p.Ala223Thr (NM_001407070.1, NM_001407072.1, NM_001407073.1 and 6 more transcripts); c.670G>A, p.Ala224Thr (NM_001407071.1, NM_001407078.1, NM_001048172.2 and 1 more transcripts); c.583G>A, p.Ala195Thr (NM_001407075.1); c.700G>A, p.Ala234Thr (NM_001407077.1, NM_001293191.2, NM_001407069.1); c.628G>A, p.Ala210Thr (NM_001407079.1); c.625G>A, p.Ala209Thr (NM_001407080.1); c.751G>A, p.Ala251Thr (NM_001128425.2); c.712G>A, p.Ala238Thr (NM_001293190.2); and 5 more; short protein forms A108T, A131T, A237T, A224T, A230T, A195T, A209T, A210T.
Identifiers: ClinVar variation 3722963 (VCV003722963.2).